The following is an entry in ClinVar:

ClinVar aggregate classification (germline): Likely benign (1 of 4 stars; one submission).

Allele frequency attached by ClinVar (database versions not stated): TOPMed below 0.00001; gnomAD 0.00001.

Submission:

CeGaT Center for Human Genetics Tuebingen
Classification: Likely benign. Last evaluated: 2024-02-01. Review status: criteria provided, single submitter. Criteria: CeGaT Center For Human Genetics Tuebingen Variant Classification Criteria Version 2. Collection method: clinical testing. Allele origin: germline. Affected: yes. Observed: 1 variant allele.
Comment: PDE10A: BP4, BP7

NM_001385079.1(PDE10A):c.517T>C (p.Leu173=)

Gene: PDE10A (phosphodiesterase 10A; minus strand). Cytogenetic location: 6q27.
Variant type: single nucleotide variant.
Coding change: c.517T>C on transcript NM_001385079.1 (MANE Select); coding-DNA position 517, T replaced by C.
Protein change: p.Leu173=; no amino-acid change (leucine 173 retained).
Molecular consequence: synonymous variant.
Genome position (GRCh38, 1-based): chr6:165,662,295, A>G on the plus strand (T>C on the coding strand, the complement: PDE10A is on the minus strand). VCF-style: chr6-165662295-A-G. GRCh37 (hg19) VCF-style: chr6-166075783-A-G.
Identifiers: ClinVar variation 3026566 (VCV003026566.22), dbSNP rs1281009120, ClinGen allele CA571883571.